The following is an entry in ClinVar:

ClinVar aggregate classification (germline): Pathogenic (1 of 4 stars; one submission).

Conditions:
Joubert syndrome. Also called: CEREBELLOPARENCHYMAL DISORDER IV; JOUBERT-BOLTSHAUSER SYNDROME; Familial aplasia of the vermis. Identifiers: Orphanet 475, MedGen C5979921, MONDO:0018772.
Nephronophthisis. Also called: Juvenile Nephronophthisis. Identifiers: Orphanet 655, MedGen C0687120, MONDO:0019005, HP:0000090.
Meckel-Gruber syndrome. Also called: DYSENCEPHALIA SPLANCHNOCYSTICA; GRUBER SYNDROME; Dysencephalia splachnocystica. Identifiers: Orphanet 564, MedGen C0265215, MONDO:0018921.

Submission:

Labcorp Genetics (formerly Invitae), Labcorp
Classification: Pathogenic for Joubert syndrome; Meckel-Gruber syndrome; Nephronophthisis. Last evaluated: 2023-10-20. Review status: criteria provided, single submitter. Criteria: Invitae Variant Classification Sherloc (09022015). Collection method: clinical testing. Allele origin: germline.
Comment: This sequence change creates a premature translational stop signal (p.Leu1939Phefs*17) in the CEP290 gene. It is expected to result in an absent or disrupted protein product. Loss-of-function variants in CEP290 are known to be pathogenic (PMID: 16909394, 17345604, 20690115). This variant is not present in population databases (gnomAD no frequency). This variant has not been reported in the literature in individuals affected with CEP290-related conditions. For these reasons, this variant has been classified as Pathogenic.

Literature cited by the submitters: PubMed 16909394; PubMed 17345604; PubMed 20690115.

NM_025114.4(CEP290):c.5816dup (p.Leu1939fs)

Gene: CEP290 (centrosomal protein 290; minus strand). Cytogenetic location: 12q21.32.
Variant type: Duplication.
Coding change: c.5816dup on transcript NM_025114.4 (MANE Select); coding-DNA position 5816, one base duplicated (T; older notation c.5816dupT).
Protein change: p.Leu1939fs; shifts the reading frame from leucine 1939.
Molecular consequence: frameshift variant.
Genome position (GRCh38, 1-based): chr12:88,071,820, A duplicated on the plus strand (T on the coding strand, the reverse complement: CEP290 is on the minus strand); the first of 3 consecutive A bases (chr12:88,071,820-88,071,822); duplicating any one gives the same sequence. VCF-style (leftmost placement, unchanged base first): chr12-88071819-T-TA. GRCh37 (hg19) VCF-style: chr12-88465596-T-TA.
Other names: short protein forms L1939fs.
Identifiers: ClinVar variation 2953102 (VCV002953102.3), dbSNP rs2499741312, ClinGen allele CA2740092455.